The following is an entry in ClinVar:

ClinVar aggregate classification (germline): Likely benign (1 of 4 stars; one submission).

Conditions:
SLCO1B3-related disorder. Also called: SLCO1B3-related condition.

Submission:

PreventionGenetics, part of Exact Sciences
Classification: Likely benign for SLCO1B3-related condition. Last evaluated: 2025-08-15. Review status: criteria provided, single submitter. Criteria: ACMG Guidelines, 2015. Collection method: clinical testing. Allele origin: germline.
Comment: This variant is classified as likely benign based on ACMG/AMP sequence variant interpretation guidelines (Richards et al. 2015 PMID: 25741868, with internal and published modifications).

NM_019844.4(SLCO1B3):c.481+16G>T

Genes: SLCO1B3 (solute carrier organic anion transporter family member 1B3; plus strand), SLCO1B3-SLCO1B7 (SLCO1B3-SLCO1B7 readthrough; plus strand). Cytogenetic location: 12p12.2.
Variant type: single nucleotide variant.
Coding change: c.481+16G>T on transcript NM_019844.4 (MANE Select); 16 bases into the intron after coding-DNA position 481, G replaced by T.
Molecular consequence: intron variant.
Genome position (GRCh38, 1-based): chr12:20,861,154, G>T. VCF-style: chr12-20861154-G-T. GRCh37 (hg19) VCF-style: chr12-21014088-G-T.
Other names: c.397+16G>T (NM_001349920.2); c.481+16G>T (NM_001371097.1).
Identifiers: ClinVar variation 4994415 (VCV004994415.1).